The following is an entry in ClinVar:

NM_004304.5(ALK):c.4845G>A (p.Met1615Ile)

Gene: ALK (ALK receptor tyrosine kinase; minus strand). Cytogenetic location: 2p23.2.
Variant type: single nucleotide variant.
Coding change: c.4845G>A on transcript NM_004304.5 (MANE Select); coding-DNA position 4845, G replaced by A.
Protein change: p.Met1615Ile; replaces methionine 1615 with isoleucine.
Molecular consequence: missense variant.
Genome position (GRCh38, 1-based): chr2:29,193,242, C>T on the plus strand (G>A on the coding strand, the complement: ALK is on the minus strand). VCF-style: chr2-29193242-C-T. GRCh37 (hg19) VCF-style: chr2-29416108-C-T.
Other names: c.1641G>A, p.Met547Ile (NM_001353765.2); short protein forms M1615I, M547I.
Identifiers: ClinVar variation 404334 (VCV000404334.9), dbSNP rs747978928, ClinGen allele CA1593462.

ClinVar aggregate classification (germline): Conflicting classifications of pathogenicity. Review status: criteria provided, conflicting classifications (1 of 4 stars). 2 submissions from 2 submitters: Uncertain significance (1); Likely benign (1). Last evaluated 2024-12-28.

Conditions:
Hereditary cancer-predisposing syndrome. Also called: Tumor predisposition; Neoplastic Syndromes, Hereditary; Hereditary Cancer Syndrome; Hereditary neoplastic syndrome. Identifiers: Orphanet 140162, MedGen C0027672, MeSH D009386, MONDO:0015356.
Neuroblastoma, susceptibility to, 3. Also called: ALK-Related Neuroblastic Tumor Susceptibility. Identifiers: Orphanet 635, MedGen C2751681, MONDO:0013083, OMIM 613014.

Allele frequency attached by ClinVar (database versions not stated): gnomAD exomes below 0.00001; ExAC 0.00001; gnomAD 0.00001; TOPMed 0.00001.

Submissions (2):

Labcorp Genetics (formerly Invitae), Labcorp
Classification: Uncertain significance for Neuroblastoma, susceptibility to, 3. Last evaluated: 2024-12-28. Review status: criteria provided, single submitter. Criteria: Invitae Variant Classification Sherloc (09022015). Collection method: clinical testing. Allele origin: germline.
Comment: This sequence change replaces methionine, which is neutral and non-polar, with isoleucine, which is neutral and non-polar, at codon 1615 of the ALK protein (p.Met1615Ile). This variant is present in population databases (rs747978928, gnomAD 0.0009%). This variant has not been reported in the literature in individuals affected with ALK-related conditions. ClinVar contains an entry for this variant (Variation ID: 404334). An algorithm developed to predict the effect of missense changes on protein structure and function (PolyPhen-2) suggests that this variant¬†is likely to be tolerated. In summary, the available evidence is currently insufficient to determine the role of this variant in disease. Therefore, it has been classified as a Variant of Uncertain Significance.

Ambry Genetics
Classification: Likely benign for Hereditary cancer-predisposing syndrome. Last evaluated: 2024-12-19. Review status: criteria provided, single submitter. Criteria: Ambry Variant Classification Scheme 2023. Collection method: clinical testing. Allele origin: germline.